The following is an entry in ClinVar:

ClinVar aggregate classification (germline): Uncertain significance (1 of 4 stars; one submission).

Submission:

Labcorp Genetics (formerly Invitae), Labcorp
Classification: Uncertain significance. Last evaluated: 2024-05-20. Review status: criteria provided, single submitter. Criteria: Invitae Variant Classification Sherloc (09022015). Collection method: clinical testing. Allele origin: germline.
Comment: This sequence change falls in intron 2 of the RAB11A gene. It does not directly change the encoded amino acid sequence of the RAB11A protein. It affects a nucleotide within the consensus splice site. This variant is not present in population databases (gnomAD no frequency). This variant has not been reported in the literature in individuals affected with RAB11A-related conditions. ClinVar contains an entry for this variant (Variation ID: 2096048). Variants that disrupt the consensus splice site are a relatively common cause of aberrant splicing (PMID: 17576681, 9536098). Algorithms developed to predict the effect of sequence changes on RNA splicing suggest that this variant is not likely to affect RNA splicing. In summary, the available evidence is currently insufficient to determine the role of this variant in disease. Therefore, it has been classified as a Variant of Uncertain Significance.

Literature cited by the submitters: PubMed 17576681; PubMed 9536098.

NM_004663.5(RAB11A):c.237-3C>T

Gene: RAB11A (RAB11A, member RAS oncogene family; plus strand). Cytogenetic location: 15q22.31.
Variant type: single nucleotide variant.
Coding change: c.237-3C>T on transcript NM_004663.5 (MANE Select); 3 bases into the intron before coding-DNA position 237, C replaced by T.
Molecular consequence: intron variant.
Genome position (GRCh38, 1-based): chr15:65,877,759, C>T. VCF-style: chr15-65877759-C-T. GRCh37 (hg19) VCF-style: chr15-66170097-C-T.
Other names: c.237-3C>T (NM_001206836.2).
Identifiers: ClinVar variation 2096048 (VCV002096048.4), dbSNP rs2549035580, ClinGen allele CA2580089869.
Genomic context (GRCh38, chr15:65,877,759, plus strand): 5'-GTTCTTCCTGGTGTTTGCTTCCATCTTGTGGTTTTCTGATACTAAATATGTTTCTGTTTT[C>T]AGATATTATCGTGGAGCTGTAGGTGCCTTATTGGTTTATGACATTGCTAAACATCTCACA-3'